The following is an entry in ClinVar:

NM_000295.5(SERPINA1):c.435C>T (p.Ser145=)

Gene: SERPINA1 (serpin family A member 1; minus strand). Cytogenetic location: 14q32.13.
Variant type: single nucleotide variant.
Coding change: c.435C>T on transcript NM_000295.5 (MANE Select); coding-DNA position 435, C replaced by T.
Protein change: p.Ser145=; no amino-acid change (serine 145 retained).
Molecular consequence: synonymous variant.
Genome position (GRCh38, 1-based): chr14:94,382,803, G>A on the plus strand (C>T on the coding strand, the complement: SERPINA1 is on the minus strand). VCF-style: chr14-94382803-G-A. GRCh37 (hg19) VCF-style: chr14-94849140-G-A.
Other names: c.435C>T, p.Ser145= (NM_001002235.3, NM_001002236.3, NM_001127700.2 and 7 more transcripts); c.435C>T (NM_000295.4).
Identifiers: ClinVar variation 2044901 (VCV002044901.5), dbSNP rs11558263, ClinGen allele CA265864133.

ClinVar aggregate classification (germline): Likely benign. Review status: criteria provided, multiple submitters, no conflicts (2 of 4 stars). 2 submissions from 2 submitters: Likely benign (2). Last evaluated 2025-11-18.

Conditions:
Alpha-1-antitrypsin deficiency (A1ATD). Also called: AAT deficiency; A1AT deficiency; Alpha1-Antitrypsin Deficiency. Identifiers: Orphanet 60, MedGen C0221757, MONDO:0013282, OMIM 613490.
SERPINA1-related disorder. Also called: SerpinA1-related disorders; SERPINA1-related condition.

Allele frequency attached by ClinVar (database versions not stated): TOPMed 0.00002; gnomAD 0.00003.
gnomAD v4.1: 9 of 1,614,214 alleles (0.00056%); highest among the groups gnomAD compares: East Asian, 0.0067%; no homozygotes.

Submissions (2):

PreventionGenetics, part of Exact Sciences
Classification: Likely benign for SERPINA1-related condition. Last evaluated: 2025-11-18. Review status: criteria provided, single submitter. Criteria: ACMG Guidelines, 2015. Collection method: clinical testing. Allele origin: germline.
Comment: This variant is classified as likely benign based on ACMG/AMP sequence variant interpretation guidelines (Richards et al. 2015 PMID: 25741868, with internal and published modifications).

Labcorp Genetics (formerly Invitae), Labcorp
Classification: Likely benign for Alpha-1-antitrypsin deficiency. Last evaluated: 2023-10-14. Review status: criteria provided, single submitter. Criteria: Invitae Variant Classification Sherloc (09022015). Collection method: clinical testing. Allele origin: germline.